The following is an entry in ClinVar:

NM_001035.3(RYR2):c.7023T>C (p.Asn2341=)

Gene: RYR2 (ryanodine receptor 2; plus strand). Cytogenetic location: 1q43.
Variant type: single nucleotide variant.
Coding change: c.7023T>C on transcript NM_001035.3 (MANE Select); coding-DNA position 7023, T replaced by C.
Protein change: p.Asn2341=; no amino-acid change (asparagine 2341 retained).
Molecular consequence: synonymous variant.
Genome position (GRCh38, 1-based): chr1:237,639,109, T>C. VCF-style: chr1-237639109-T-C. GRCh37 (hg19) VCF-style: chr1-237802409-T-C.
Identifiers: ClinVar variation 1984942 (VCV001984942.5), dbSNP rs2546964473, ClinGen allele CA423819047.

ClinVar aggregate classification (germline): Likely benign. Review status: criteria provided, multiple submitters, no conflicts (2 of 4 stars). 2 submissions from 2 submitters: Likely benign (2). Last evaluated 2024-03-24.

Conditions:
Catecholaminergic polymorphic ventricular tachycardia (CVPT). Also called: Catecholamine-induced polymorphic ventricular tachycardia. Identifiers: Orphanet 3286, MedGen C5574922, MONDO:0017990.
Catecholaminergic polymorphic ventricular tachycardia 1. Also called: VENTRICULAR TACHYCARDIA, CATECHOLAMINERGIC POLYMORPHIC, 1, WITH OR WITHOUT ATRIAL DYSFUNCTION AND/OR DILATED CARDIOMYOPATHY; RYR2-Related Catecholaminergic Polymorphic Ventricular Tachycardia; VENTRICULAR TACHYCARDIA, STRESS-INDUCED POLYMORPHIC 1. Identifiers: Orphanet 3286, MedGen C1631597, MONDO:0011484, OMIM 604772.

Allele frequency attached by ClinVar (database versions not stated): gnomAD exomes below 0.00001.
gnomAD v4.1: 2 of 1,613,928 alleles (0.00012%); highest among the groups gnomAD compares: Non-Finnish European, 0.00017%; no homozygotes.

Submissions (2):

All of Us Research Program, National Institutes of Health
Classification: Likely benign for Catecholaminergic polymorphic ventricular tachycardia. Last evaluated: 2024-03-24. Review status: criteria provided, single submitter. Criteria: ACMG Guidelines, 2015. Collection method: clinical testing. Allele origin: germline. Inheritance: Autosomal dominant inheritance. Observed: 1 variant allele, 1 heterozygote.
Comment: This study involves interpretation of variants in research participants for the purpose of population health screening. Participant phenotype was not available at the time of variant classification. Additional details can be found in publication PMID: 35346344, PMCID: PMC8962531

Labcorp Genetics (formerly Invitae), Labcorp
Classification: Likely benign for Catecholaminergic polymorphic ventricular tachycardia 1. Last evaluated: 2022-07-17. Review status: criteria provided, single submitter. Criteria: Invitae Variant Classification Sherloc (09022015). Collection method: clinical testing. Allele origin: germline.